The following is an entry in ClinVar:

ClinVar aggregate classification (germline): Uncertain significance (1 of 4 stars; one submission).

Conditions:
Methylmalonic acidemia due to methylmalonyl-CoA epimerase deficiency. Also called: METHYLMALONIC ACIDURIA III; Methylmalonyl-CoA Epimerase Deficiency; METHYLMALONYL-CoA RACEMASE DEFICIENCY. Identifiers: Orphanet 308425, MedGen C1855100, MONDO:0009615, OMIM 251120.

Allele frequency attached by ClinVar (database versions not stated): TOPMed 0.00005.
gnomAD v4.1: 85 of 1,613,890 alleles (0.0053%); highest among the groups gnomAD compares: Non-Finnish European, 0.0069%; no homozygotes.

Submission:

Labcorp Genetics (formerly Invitae), Labcorp
Classification: Uncertain significance for Methylmalonic acidemia due to methylmalonyl-CoA epimerase deficiency. Last evaluated: 2021-08-28. Review status: criteria provided, single submitter. Criteria: Invitae Variant Classification Sherloc (09022015). Collection method: clinical testing. Allele origin: germline.
Comment: This sequence change replaces arginine with histidine at codon 104 of the MCEE protein (p.Arg104His). The arginine residue is weakly conserved and there is a small physicochemical difference between arginine and histidine. This variant is present in population databases (rs6748672, ExAC 0.01%). This variant has not been reported in the literature in individuals affected with MCEE-related conditions. Algorithms developed to predict the effect of missense changes on protein structure and function (SIFT, PolyPhen-2, Align-GVGD) all suggest that this variant is likely to be tolerated. In summary, the available evidence is currently insufficient to determine the role of this variant in disease. Therefore, it has been classified as a Variant of Uncertain Significance.

NM_032601.4(MCEE):c.311G>A (p.Arg104His)

Gene: MCEE (methylmalonyl-CoA epimerase; minus strand). Cytogenetic location: 2p13.3.
Variant type: single nucleotide variant.
Coding change: c.311G>A on transcript NM_032601.4 (MANE Select); coding-DNA position 311, G replaced by A.
Protein change: p.Arg104His; replaces arginine 104 with histidine.
Molecular consequence: missense variant.
Genome position (GRCh38, 1-based): chr2:71,124,273, C>T on the plus strand (G>A on the coding strand, the complement: MCEE is on the minus strand). VCF-style: chr2-71124273-C-T. GRCh37 (hg19) VCF-style: chr2-71351403-C-T.
Other names: short protein forms R104H.
Identifiers: ClinVar variation 649586 (VCV000649586.6), dbSNP rs6748672, ClinGen allele CA1702606.